The following is an entry in ClinVar:

ClinVar aggregate classification (germline): Uncertain significance (1 of 4 stars; one submission).

Conditions:
Long QT syndrome (LQTS). Identifiers: MedGen C0023976, MeSH D008133, MONDO:0002442. Disease mechanism: loss of function. Inheritance: Various modes of inheritance.

Submission:

Labcorp Genetics (formerly Invitae), Labcorp
Classification: Uncertain significance for Long QT syndrome. Last evaluated: 2019-05-10. Review status: criteria provided, single submitter. Criteria: Invitae Variant Classification Sherloc (09022015). Collection method: clinical testing. Allele origin: germline.
Comment: In summary, the available evidence is currently insufficient to determine the role of this variant in disease. Therefore, it has been classified as a Variant of Uncertain Significance. Experimental studies have shown that this variant disrupts mRNA splicing (PMID: 24321233). This variant has been observed in an individual affected with Brugada syndrome (PMID: 23575362). This variant is not present in population databases (ExAC no frequency). This sequence change affects codon 632 of the CACNA1C mRNA. It is a 'silent' change, meaning that it does not change the encoded amino acid sequence of the CACNA1C protein.

Literature cited by the submitters: PubMed 24321233; PubMed 23575362.

NM_000719.7(CACNA1C):c.1896G>A (p.Arg632=)

Gene: CACNA1C (calcium voltage-gated channel subunit alpha1 C; plus strand). Cytogenetic location: 12p13.33.
Variant type: single nucleotide variant.
Coding change: c.1896G>A on transcript NM_000719.7 (MANE Select); coding-DNA position 1896, G replaced by A.
Protein change: p.Arg632=; no amino-acid change (arginine 632 retained).
Molecular consequence: synonymous variant.
Genome position (GRCh38, 1-based): chr12:2,581,590, G>A. VCF-style: chr12-2581590-G-A. GRCh37 (hg19) VCF-style: chr12-2690756-G-A.
Other names: c.1896G>A, p.Arg632= (NM_001129827.2, NM_001129829.2, NM_001129830.3 and 18 more transcripts); c.1887G>A, p.Arg629= (NM_001129844.2).
Identifiers: ClinVar variation 945550 (VCV000945550.10), dbSNP rs2060521243, ClinGen allele CA477883111.
Genomic context (GRCh38, chr12:2,581,590, plus strand): 5'-AGGCACGATGGGGAGGACAGCAAGGGGCAGAGTGCTGACCTCCCTCCTGTTGGCTCTCAG[G>A]TACTGGAACTCCTTGAGCAACCTGGTGGCATCCTTGCTGAACTCTGTGCGCTCCATCGCC-3'
Protein context (NP_000710.5, residues 622-642): VRLLRIFKIT[Arg632=]YWNSLSNLVA